The following is an entry in ClinVar:

ClinVar aggregate classification (germline): Pathogenic/Likely pathogenic. Review status: criteria provided, multiple submitters, no conflicts (2 of 4 stars). 11 submissions from 11 submitters: Pathogenic (9); Likely pathogenic (1). 1 of the submissions does not count toward it. Last evaluated 2025-11-22.

Conditions:
NEB-related disorder. Also called: NEB-related condition; NEB-Related Disorders.
Arthrogryposis multiplex congenita 6. Identifiers: MedGen C5543431, MONDO:0030281, OMIM 619334.
Nemaline myopathy 2 (NEM2). Also called: Nemaline myopathy 2, autosomal recessive. Identifiers: MedGen C1850569, MONDO:0009725, OMIM 256030.
Nemaline myopathy. Also called: Myopathies, Nemaline. Identifiers: Orphanet 607, MedGen C0206157, MONDO:0018958.

Allele frequency attached by ClinVar (database versions not stated): TOPMed 0.00001.

Submissions (11):

Labcorp Genetics (formerly Invitae), Labcorp
Classification: Pathogenic for Nemaline myopathy 2. Last evaluated: 2025-11-22. Review status: criteria provided, single submitter. Criteria: Invitae Variant Classification Sherloc (09022015). Collection method: clinical testing. Allele origin: germline.
Comment: This sequence change creates a premature translational stop signal (p.Leu8137Phefs*18) in the NEB gene. It is expected to result in an absent or disrupted protein product. Loss-of-function variants in NEB are known to be pathogenic (PMID: 25205138). This variant is present in population databases (no rsID available, gnomAD 0.009%). This premature translational stop signal has been observed in individuals with NEB-related conditions (PMID: 25205138, 26019235). This variant is also known as c.24209_24212dupTGTT (p.L8071fs). ClinVar contains an entry for this variant (Variation ID: 633333). Algorithms developed to predict the effect of sequence changes on RNA splicing suggest that this variant may disrupt the consensus splice site. For these reasons, this variant has been classified as Pathogenic.

Genesolutions, Medical Genetics Institutes, Ho Chi Minh City, Vietnam
Classification: Pathogenic for Nemaline myopathy 2. Last evaluated: 2025-09-24. Review status: criteria provided, single submitter. Criteria: ACMG Guidelines, 2015. Collection method: clinical testing. Allele origin: germline. Affected: yes.

GeneDx
Classification: Pathogenic. Last evaluated: 2025-08-11. Review status: criteria provided, single submitter. Criteria: GeneDx Variant Classification Process June 2021. Collection method: clinical testing. Allele origin: germline. Affected: yes.
Comment: Observed in homozygous state or with a second NEB variant in patients with myopathy in the literature and not observed in homozygous state in controls (PMID: 25205138, 33333461, 38544359); Not observed at significant frequency in large population cohorts (gnomAD); Frameshift variant predicted to result in protein truncation or nonsense mediated decay in a gene for which loss of function is a known mechanism of disease; This variant is associated with the following publications: (PMID: 38136143, 26019235, 25205138, 33333461, 38544359)

Women's Health and Genetics/Laboratory Corporation of America, LabCorp
Classification: Pathogenic for Nemaline myopathy. Last evaluated: 2025-03-06. Review status: criteria provided, single submitter. Criteria: LabCorp Variant Classification Summary - May 2015. Collection method: clinical testing. Allele origin: germline.
Comment: Variant summary: NEB c.24407_24410dupTGTT (p.Leu8137PhefsX18) results in a premature termination codon, predicted to cause a truncation of the encoded protein or absence of the protein due to nonsense mediated decay, which are commonly known mechanisms for disease. Several computational tools predict a significant impact on normal splicing: Two predict the variant creates a 5' donor site. Two predict the variant creates a 3' acceptor site. However, these predictions have yet to be confirmed by functional studies. The variant allele was found at a frequency of 1.1e-05 in 182550 control chromosomes. c.24407_24410dupTGTT has been reported in the literature in multiple individuals affected with Nemaline Myopathy 2 (Lehtokari_2014, Rokach_2015). These data indicate that the variant is very likely to be associated with disease. To our knowledge, no experimental evidence demonstrating an impact on protein function has been reported. The following publications have been ascertained in the context of this evaluation (PMID: 25205138, 26019235). ClinVar contains an entry for this variant (Variation ID: 633333). Based on the evidence outlined above, the variant was classified as pathogenic.

Fulgent Genetics
Classification: Pathogenic for Nemaline myopathy 2; Arthrogryposis multiplex congenita 6. Last evaluated: 2024-06-13. Review status: criteria provided, single submitter. Criteria: ACMG Guidelines, 2015. Collection method: clinical testing. Allele origin: germline.

Baylor Genetics
Classification: Pathogenic for Arthrogryposis multiplex congenita 6. Last evaluated: 2024-03-24. Review status: criteria provided, single submitter. Criteria: ACMG Guidelines, 2015. Collection method: clinical testing. Allele origin: unknown.

Revvity Omics, Revvity
Classification: Pathogenic. Last evaluated: 2022-05-31. Review status: criteria provided, single submitter. Criteria: ACMG Guidelines, 2015. Collection method: clinical testing. Allele origin: germline.

Blueprint Genetics
Classification: Pathogenic for NEB-related disorders. Last evaluated: 2021-09-20. Review status: criteria provided, single submitter. Criteria: ACMG Guidelines, 2015. Collection method: clinical testing. Allele origin: germline. Affected: yes. Observed: 1 variant allele.

Genomic Research Center, Shahid Beheshti University of Medical Sciences
Classification: Likely pathogenic for Nemaline myopathy 2. Last evaluated: 2019-04-27. Review status: criteria provided, single submitter. Criteria: ACMG Guidelines, 2015. Collection method: clinical testing. Allele origin: unknown. Affected: no.

Kariminejad - Najmabadi Pathology & Genetics Center
Classification: Pathogenic for Nemaline myopathy 2. Review status: criteria provided, single submitter. Criteria: ACMG Guidelines, 2015. Collection method: clinical testing. Allele origin: germline. Affected: no.

Natera, Inc.
Classification: Pathogenic for Nemaline myopathy type 2. Last evaluated: 2020-11-02. Review status: no assertion criteria provided. Collection method: clinical testing. Allele origin: germline. Not counted in ClinVar's aggregate classification.

Literature cited by the submitters: PubMed 25205138 (cited by Labcorp Genetics (formerly Invitae), Labcorp and Women's Health and Genetics/Laboratory Corporation of America, LabCorp); PubMed 26019235 (cited by Labcorp Genetics (formerly Invitae), Labcorp and Women's Health and Genetics/Laboratory Corporation of America, LabCorp).

NM_001164508.2(NEB):c.24302_24305dup (p.Leu8102fs)

Genes: NEB (nebulin; minus strand), RIF1 (replication timing regulatory factor 1; plus strand). Cytogenetic location: 2q23.3.
Variant type: Duplication.
Coding change: c.24302_24305dup on transcript NM_001164508.2 (MANE Select); coding-DNA positions 24302 to 24305, 4 bases duplicated (TGTT; older notation c.24302_24305dupTGTT).
Protein change: p.Leu8102fs; shifts the reading frame from leucine 8102.
Molecular consequence: frameshift variant. On other transcripts: intron variant (1).
Genome position (GRCh38, 1-based): chr2:151,497,029-151,497,032, AACA duplicated on the plus strand (TGTT on the coding strand, the reverse complement: NEB is on the minus strand). VCF-style (leftmost placement, unchanged base first): chr2-151497028-T-TAACA. GRCh37 (hg19) VCF-style: chr2-152353542-T-TAACA.
Other names: c.24407_24410dupTGTT (NM_001271208.2, NM_001271208.1); c.24302_24305dup, p.Leu8102fs (NM_001164507.2); c.24407_24410dup, p.Leu8137fs (NM_001271208.2); c.18826-664_18826-661dup (NM_004543.5); short protein forms L8102fs, L8137fs.
Identifiers: ClinVar variation 633333 (VCV000633333.27), dbSNP rs1344099907, ClinGen allele CA536639480.